The following is an entry in ClinVar:

ClinVar aggregate classification (germline): Uncertain significance (1 of 4 stars; one submission).

Conditions:
FMO3-related disorder. Also called: FMO3-related condition.

Submission:

PreventionGenetics, part of Exact Sciences
Classification: Uncertain significance for FMO3-related condition. Last evaluated: 2025-05-11. Review status: criteria provided, single submitter. Criteria: ACMG Guidelines, 2015. Collection method: clinical testing. Allele origin: germline.
Comment: The FMO3 c.870_872delAAG variant is predicted to result in an in-frame deletion (p.Ser291del). To our knowledge, this variant has not been reported in the literature or in a large population database (gnomAD), indicating this variant is rare. At this time, the clinical significance of this variant is uncertain due to the absence of conclusive functional and genetic evidence.

NM_001002294.3(FMO3):c.870_872del (p.Ser291del)

Gene: FMO3 (flavin containing dimethylaniline monoxygenase 3; plus strand). Cytogenetic location: 1q24.3.
Variant type: Deletion.
Coding change: c.870_872del on transcript NM_001002294.3 (MANE Select); coding-DNA positions 870 to 872, 3 bases deleted (AAG; older notation c.870_872delAAG).
Protein change: p.Ser291del; deletes serine 291.
Molecular consequence: inframe deletion.
Genome position (GRCh38, 1-based): chr1:171,114,049-171,114,051, AAG deleted. VCF-style (leftmost placement, unchanged base first): chr1-171114048-CAAG-C. GRCh37 (hg19) VCF-style: chr1-171083188-CAAG-C.
Other names: c.810_812del, p.Ser271del (NM_001319173.2); c.681_683del, p.Ser228del (NM_001319174.2); c.870_872del, p.Ser291del (NM_006894.6); short protein forms S291del, S228del, S271del.
Identifiers: ClinVar variation 5001467 (VCV005001467.1).